The following is an entry in ClinVar:

ClinVar aggregate classification (germline): Uncertain significance. Review status: criteria provided, multiple submitters, no conflicts (2 of 4 stars). 2 submissions from 2 submitters: Uncertain significance (2). Last evaluated 2022-07-01.

Conditions:
Inborn genetic diseases. Identifiers: MedGen C0950123, MeSH D030342.

Allele frequency attached by ClinVar (database versions not stated): gnomAD exomes 0.00009.
gnomAD v4.1: 134 of 1,613,704 alleles (0.0083%); highest among the groups gnomAD compares: Non-Finnish European, 0.011%; no homozygotes.

Submissions (2):

Labcorp Genetics (formerly Invitae), Labcorp
Classification: Uncertain significance. Last evaluated: 2022-07-01. Review status: criteria provided, single submitter. Criteria: Invitae Variant Classification Sherloc (09022015). Collection method: clinical testing. Allele origin: germline.
Comment: This sequence change replaces proline, which is neutral and non-polar, with threonine, which is neutral and polar, at codon 270 of the PLAA protein (p.Pro270Thr). This variant is present in population databases (rs762205010, gnomAD 0.008%). This variant has not been reported in the literature in individuals affected with PLAA-related conditions. ClinVar contains an entry for this variant (Variation ID: 1462582). Algorithms developed to predict the effect of missense changes on protein structure and function (SIFT, PolyPhen-2, Align-GVGD) all suggest that this variant is likely to be disruptive. In summary, the available evidence is currently insufficient to determine the role of this variant in disease. Therefore, it has been classified as a Variant of Uncertain Significance.

Ambry Genetics
Classification: Uncertain significance for Inborn genetic diseases. Last evaluated: 2021-01-11. Review status: criteria provided, single submitter. Criteria: Ambry Variant Classification Scheme 2023. Collection method: clinical testing. Allele origin: germline.
Comment: The c.808C>A (p.P270T) alteration is located in exon 6 (coding exon 6) of the PLAA gene. This alteration results from a C to A substitution at nucleotide position 808, causing the proline (P) at amino acid position 270 to be replaced by a threonine (T). The p.P270T alteration is predicted to be tolerated by in silico analysis. Based on insufficient or conflicting evidence, the clinical significance of this alteration remains unclear.

NM_001031689.3(PLAA):c.808C>A (p.Pro270Thr)

Gene: PLAA (phospholipase A2 activating protein; minus strand). Cytogenetic location: 9p21.2.
Variant type: single nucleotide variant.
Coding change: c.808C>A on transcript NM_001031689.3 (MANE Select); coding-DNA position 808, C replaced by A.
Protein change: p.Pro270Thr; replaces proline 270 with threonine.
Molecular consequence: missense variant.
Genome position (GRCh38, 1-based): chr9:26,925,886, G>T on the plus strand (C>A on the coding strand, the complement: PLAA is on the minus strand). VCF-style: chr9-26925886-G-T. GRCh37 (hg19) VCF-style: chr9-26925884-G-T.
Other names: c.808C>A, p.Pro270Thr (NM_001321546.2); c.808C>A (NM_001031689.2); short protein forms P270T.
Identifiers: ClinVar variation 1462582 (VCV001462582.6), dbSNP rs762205010, ClinGen allele CA5014544.